The following is an entry in ClinVar:

ClinVar aggregate classification (germline): Uncertain significance (1 of 4 stars; one submission).

Submission:

Labcorp Genetics (formerly Invitae), Labcorp
Classification: Uncertain significance. Last evaluated: 2025-12-10. Review status: criteria provided, single submitter. Criteria: Invitae Variant Classification Sherloc (09022015). Collection method: clinical testing. Allele origin: germline.
Comment: This sequence change falls in intron 4 of the CEP97 gene. It does not directly change the encoded amino acid sequence of the CEP97 protein. This variant is not present in population databases (gnomAD no frequency). This variant has not been reported in the literature in individuals affected with CEP97-related conditions. Algorithms developed to predict the effect of sequence changes on RNA splicing suggest that this variant may disrupt the consensus splice site. In summary, the available evidence is currently insufficient to determine the role of this variant in disease. Therefore, it has been classified as a Variant of Uncertain Significance.

NM_024548.4(CEP97):c.448-11T>C

Gene: CEP97 (centrosomal protein 97; plus strand). Cytogenetic location: 3q12.3.
Variant type: single nucleotide variant.
Coding change: c.448-11T>C on transcript NM_024548.4 (MANE Select); 11 bases into the intron before coding-DNA position 448, T replaced by C.
Molecular consequence: intron variant.
Genome position (GRCh38, 1-based): chr3:101,731,829, T>C. VCF-style: chr3-101731829-T-C. GRCh37 (hg19) VCF-style: chr3-101450673-T-C.
Other names: c.448-11T>C (NM_001303401.2); c.346-11T>C (NM_001410784.1, NM_001410785.1).
Identifiers: ClinVar variation 4732946 (VCV004732946.1).